The following is an entry in ClinVar:

NM_004380.3(CREBBP):c.1108C>T (p.Arg370Ter)

Gene: CREBBP (CREB binding lysine acetyltransferase; minus strand). Cytogenetic location: 16p13.3.
Variant type: single nucleotide variant.
Coding change: c.1108C>T on transcript NM_004380.3 (MANE Select); coding-DNA position 1108, C replaced by T.
Protein change: p.Arg370Ter; replaces arginine 370 with a stop codon.
Molecular consequence: nonsense.
Genome position (GRCh38, 1-based): chr16:3,793,494, G>A on the plus strand (C>T on the coding strand, the complement: CREBBP is on the minus strand). VCF-style: chr16-3793494-G-A. GRCh37 (hg19) VCF-style: chr16-3843495-G-A.
Other names: c.1108C>T, p.Arg370Ter (NM_001079846.1); short protein forms R370*.
Identifiers: ClinVar variation 694759 (VCV000694759.8), dbSNP rs1384496494, ClinGen allele CA394563096.

ClinVar aggregate classification (germline): Pathogenic. Review status: criteria provided, multiple submitters, no conflicts (2 of 4 stars). 5 submissions from 4 submitters: Pathogenic (5). Last evaluated 2024-04-24.

Conditions:
Rubinstein-Taybi syndrome due to CREBBP mutations (RSTS1). Also called: BROAD THUMBS AND GREAT TOES, CHARACTERISTIC FACIES, AND IMPAIRED INTELLECTUAL DEVELOPMENT; BROAD THUMB-HALLUX SYNDROME; RUBINSTEIN SYNDROME; RUBINSTEIN-TAYBI SYNDROME 1, INCOMPLETE; CREBBP-Related Rubinstein-Taybi Syndrome; Rubinstein-Taybi syndrome 1. Identifiers: Orphanet 353277, Orphanet 783, MedGen C4551859, MONDO:0008393, OMIM 180849.
Rubinstein-Taybi syndrome (RSTS). Identifiers: Orphanet 783, MedGen C0035934, MONDO:0019188.
Corpus callosum, agenesis of. Also called: Agenesis of the corpus callosum; Corpus callosum agenesis; Mental retardation hypoplastic corpus callosum preauricular tag; Da silva syndrome; Isolated corpus callosum agenesis. Identifiers: Orphanet 200, MedGen C0175754, MONDO:0009022, OMIM 217990, HP:0001274.

Submissions (5):

Labcorp Genetics (formerly Invitae), Labcorp
Classification: Pathogenic for Rubinstein-Taybi syndrome. Last evaluated: 2024-04-24. Review status: criteria provided, single submitter. Criteria: Invitae Variant Classification Sherloc (09022015). Collection method: clinical testing. Allele origin: germline.
Comment: This sequence change creates a premature translational stop signal (p.Arg370*) in the CREBBP gene. It is expected to result in an absent or disrupted protein product. Loss-of-function variants in CREBBP are known to be pathogenic (PMID: 17052327, 18792986). This variant is not present in population databases (gnomAD no frequency). This premature translational stop signal has been observed in individual(s) with Rubinstein-Taybi syndrome (PMID: 32170002, 32827181). ClinVar contains an entry for this variant (Variation ID: 694759). For these reasons, this variant has been classified as Pathogenic.

Illumina Laboratory Services, Illumina
Classification: Pathogenic for Rubinstein-Taybi syndrome due to CREBBP mutations. Last evaluated: 2021-12-15. Review status: criteria provided, single submitter. Criteria: ICSLVariantClassificationCriteria RUGD 01 April 2020. Collection method: clinical testing. Allele origin: unknown.
Comment: The CREBBP c.1108C>T (p.Arg370Ter) nonsense variant results in the substitution of arginine at amino acid position 370 with a stop codon. Loss of normal protein function through either protein truncation or nonsense-mediated mRNA decay is expected. This variant has been reported in a heterozygous state in at least seven individuals with Rubinstein-Taybi syndrome, including in a presumed de novo state in at least two individuals (Coupry et al. 2002; Bartsch et al. 2002; Udaka et al. 2005; Bentivengna et al. 2006; Cross et al. 2020; Squeo et al. 2020). The c.1108C>T variant is not found in version 2.1.1 or version 3.1.2 of the Genome Aggregation Database. This variant was identified in a de novo state. Based on the available evidence, the c.1108C>T (p.Arg370Ter) variant is classified as pathogenic for Rubinstein-Taybi syndrome.

Equipe Genetique des Anomalies du Developpement, Université de Bourgogne
Classification: Pathogenic for Rubinstein-Taybi syndrome due to CREBBP mutations. Last evaluated: 2021-02-26. Review status: criteria provided, single submitter. Criteria: ACMG Guidelines, 2015. Collection method: clinical testing. Allele origin: de novo. Affected: yes.

Wessex Regional Genetics Laboratory, Salisbury District Hospital
Classification: Pathogenic for Rubinstein-Taybi syndrome due to CREBBP mutations. Last evaluated: 2019-11-05. Review status: criteria provided, single submitter. Criteria: ACMG Guidelines, 2015. Collection method: clinical testing. Allele origin: unknown. Inheritance: Autosomal dominant inheritance. Affected: yes. Observed: 2 variant alleles.

Equipe Genetique des Anomalies du Developpement, Université de Bourgogne
Classification: Pathogenic for Corpus callosum, agenesis of. Review status: criteria provided, single submitter. Criteria: ACMG Guidelines, 2015. Collection method: clinical testing. Allele origin: de novo. Affected: yes.

Literature cited by the submitters: PubMed 17052327 (cited by Labcorp Genetics (formerly Invitae), Labcorp and Illumina Laboratory Services, Illumina); PubMed 18792986 (cited by Labcorp Genetics (formerly Invitae), Labcorp); PubMed 32170002 (cited by Labcorp Genetics (formerly Invitae), Labcorp and Illumina Laboratory Services, Illumina); PubMed 32827181 (cited by Labcorp Genetics (formerly Invitae), Labcorp and Illumina Laboratory Services, Illumina); PubMed 12070251 (cited by Illumina Laboratory Services, Illumina); PubMed 12114483 (cited by Illumina Laboratory Services, Illumina); PubMed 16359492 (cited by Illumina Laboratory Services, Illumina); PubMed 20689175 (cited by Equipe Genetique des Anomalies du Developpement, Université de Bourgogne).